The following is an entry in ClinVar:

ClinVar aggregate classification (germline): Uncertain significance (1 of 4 stars; one submission).

Allele frequency attached by ClinVar (database versions not stated): gnomAD 0.00001.

Submission:

Labcorp Genetics (formerly Invitae), Labcorp
Classification: Uncertain significance. Last evaluated: 2023-09-12. Review status: criteria provided, single submitter. Criteria: Invitae Variant Classification Sherloc (09022015). Collection method: clinical testing. Allele origin: germline.
Comment: In summary, the available evidence is currently insufficient to determine the role of this variant in disease. Therefore, it has been classified as a Variant of Uncertain Significance. Advanced modeling of protein sequence and biophysical properties (such as structural, functional, and spatial information, amino acid conservation, physicochemical variation, residue mobility, and thermodynamic stability) performed at Invitae indicates that this missense variant is expected to disrupt PDX1 protein function. This variant has not been reported in the literature in individuals affected with PDX1-related conditions. This variant is not present in population databases (gnomAD no frequency). This sequence change replaces glutamic acid, which is acidic and polar, with aspartic acid, which is acidic and polar, at codon 178 of the PDX1 protein (p.Glu178Asp).

NM_000209.4(PDX1):c.534G>T (p.Glu178Asp)

Gene: PDX1 (pancreatic and duodenal homeobox 1; plus strand). Cytogenetic location: 13q12.2.
Variant type: single nucleotide variant.
Coding change: c.534G>T on transcript NM_000209.4 (MANE Select); coding-DNA position 534, G replaced by T.
Protein change: p.Glu178Asp; replaces glutamic acid 178 with aspartic acid.
Molecular consequence: missense variant.
Genome position (GRCh38, 1-based): chr13:27,924,383, G>T. VCF-style: chr13-27924383-G-T. GRCh37 (hg19) VCF-style: chr13-28498520-G-T.
Other names: short protein forms E178D.
Identifiers: ClinVar variation 2789212 (VCV002789212.3), dbSNP rs1957809431, ClinGen allele CA387645605.